The following is an entry in ClinVar:

ClinVar aggregate classification (germline): Likely pathogenic (1 of 4 stars; one submission).

Conditions:
Intellectual developmental disorder, autosomal recessive 68. Also called: MENTAL RETARDATION, AUTOSOMAL RECESSIVE 68. Identifiers: MedGen C4749033, MONDO:0032665, OMIM 618302.

Submission:

Greenwood Genetic Center Diagnostic Laboratories, Greenwood Genetic Center
Classification: Likely pathogenic for Intellectual developmental disorder, autosomal recessive 68. Last evaluated: 2022-11-03. Review status: criteria provided, single submitter. Criteria: ACMG Guidelines, 2015. Collection method: clinical testing. Allele origin: germline. Affected: yes.
Comment: PVS1, PM2

NM_001136035.4(TRMT1):c.35del (p.Phe12fs)

Gene: TRMT1 (tRNA methyltransferase 1; minus strand). Cytogenetic location: 19p13.13.
Variant type: Deletion.
Coding change: c.35del on transcript NM_001136035.4 (MANE Select); coding-DNA position 35, one base deleted (T; older notation c.35delT).
Protein change: p.Phe12fs; shifts the reading frame from phenylalanine 12.
Molecular consequence: frameshift variant. On other transcripts: 5 prime UTR variant (1), intron variant (1).
Genome position (GRCh38, 1-based): chr19:13,116,365, A deleted on the plus strand (T on the coding strand, the reverse complement: TRMT1 is on the minus strand); the first of 3 consecutive A bases (chr19:13,116,365-13,116,367); deleting any one gives the same sequence. VCF-style (leftmost placement, unchanged base first): chr19-13116364-GA-G. GRCh37 (hg19) VCF-style: chr19-13227178-GA-G.
Other names: c.35del, p.Phe12fs (NM_001142554.3, NM_001351760.2, NM_017722.5); c.-829del (NM_001351762.2); c.-49-25del (NM_001351761.2); short protein forms F12fs.
Identifiers: ClinVar variation 2429090 (VCV002429090.4), dbSNP rs1352655452, ClinGen allele CA783420253.